The following is an entry in ClinVar:

ClinVar aggregate classification (germline): Pathogenic. Review status: criteria provided, multiple submitters, no conflicts (2 of 4 stars). 2 submissions from 2 submitters: Pathogenic (2). Last evaluated 2023-08-01.

Conditions:
Mucopolysaccharidosis, MPS-III-A (MPS3A). Also called: SANFILIPPO SYNDROME A; SULFAMIDASE DEFICIENCY; MPS III A; HEPARAN SULFATE SULFATASE DEFICIENCY; Mucopolysaccharidosis, type IIIA; MUCOPOLYSACCHARIDOSIS, TYPE IIIA, ATTENUATED. Identifiers: Orphanet 581, Orphanet 79269, MedGen C0086647, MONDO:0009655, OMIM 252900.

Submissions (2):

Women's Health and Genetics/Laboratory Corporation of America, LabCorp
Classification: Pathogenic for Mucopolysaccharidosis, MPS-III-A. Last evaluated: 2023-08-01. Review status: criteria provided, single submitter. Criteria: LabCorp Variant Classification Summary - May 2015. Collection method: clinical testing. Allele origin: germline.
Comment: Variant summary: SGSH c.265_269delTACGG (p.Tyr89AlafsX45) results in a premature termination codon, predicted to cause a truncation of the encoded protein or absence of the protein due to nonsense mediated decay, which are commonly known mechanisms for disease. The variant was absent in 248634 control chromosomes (gnomAD). c.265_269delTACGG has been reported in the literature in at least one biallelic individual affected with Mucopolysaccharidosis Type IIIA (Sanfilippo Syndrome A) (Pollard_2013). These data do not allow any conclusion about variant significance. To our knowledge, no experimental evidence demonstrating an impact on protein function has been reported. The following publication has been ascertained in the context of this evaluation (PMID: 22976768). One ClinVar submitter has assessed the variant since 2014, and classified the variant as pathogenic. Based on the evidence outlined above, the variant was classified as pathogenic.

Labcorp Genetics (formerly Invitae), Labcorp
Classification: Pathogenic for Mucopolysaccharidosis, MPS-III-A. Last evaluated: 2022-12-30. Review status: criteria provided, single submitter. Criteria: Invitae Variant Classification Sherloc (09022015). Collection method: clinical testing. Allele origin: germline.
Comment: For these reasons, this variant has been classified as Pathogenic. ClinVar contains an entry for this variant (Variation ID: 928757). This premature translational stop signal has been observed in individual(s) with clinical features of Sanfilippo syndrome A (PMID: 22976768). This variant is not present in population databases (gnomAD no frequency). This sequence change creates a premature translational stop signal (p.Tyr89Alafs*45) in the SGSH gene. It is expected to result in an absent or disrupted protein product. Loss-of-function variants in SGSH are known to be pathogenic (PMID: 11182930, 21204211, 22976768).

Literature cited by the submitters: PubMed 22976768 (cited by Women's Health and Genetics/Laboratory Corporation of America, LabCorp and Labcorp Genetics (formerly Invitae), Labcorp); PubMed 11182930 (cited by Labcorp Genetics (formerly Invitae), Labcorp); PubMed 21204211 (cited by Labcorp Genetics (formerly Invitae), Labcorp).

NM_000199.5(SGSH):c.265_269del (p.Tyr89fs)

Gene: SGSH (N-sulfoglucosamine sulfohydrolase; minus strand). Cytogenetic location: 17q25.3.
Variant type: Deletion.
Coding change: c.265_269del on transcript NM_000199.5 (MANE Select); coding-DNA positions 265 to 269, 5 bases deleted (TACGG; older notation c.265_269delTACGG).
Protein change: p.Tyr89fs; shifts the reading frame from tyrosine 89.
Molecular consequence: frameshift variant.
Genome position (GRCh38, 1-based): chr17:80,215,119-80,215,123, CCGTA deleted on the plus strand (TACGG on the coding strand, the reverse complement: SGSH is on the minus strand); deleting any 5 consecutive bases within chr17:80,215,119-80,215,124 gives the same sequence; the c. name uses the placement nearest the transcript's 3' end. VCF-style (leftmost placement, unchanged base first): chr17-80215118-CCCGTA-C. GRCh37 (hg19) VCF-style: chr17-78188917-CCCGTA-C.
Other names: c.265_269del, p.Tyr89fs (NM_001352921.3, NM_001352922.2); c.265_269delTACGG (NM_000199.3); short protein forms Y89fs.
Identifiers: ClinVar variation 928757 (VCV000928757.8), dbSNP rs2041840084, ClinGen allele CA1139665929.